The following is an entry in ClinVar:

NM_152564.5(VPS13B):c.3010C>T (p.Pro1004Ser)

Gene: VPS13B (vacuolar protein sorting 13 homolog B; plus strand). Cytogenetic location: 8q22.2.
Variant type: single nucleotide variant.
Coding change: c.3010C>T on transcript NM_152564.5 (MANE Select); coding-DNA position 3010, C replaced by T.
Protein change: p.Pro1004Ser; replaces proline 1004 with serine.
Molecular consequence: missense variant.
Genome position (GRCh38, 1-based): chr8:99,391,632, C>T. VCF-style: chr8-99391632-C-T. GRCh37 (hg19) VCF-style: chr8-100403860-C-T.
Other names: c.3010C>T, p.Pro1004Ser (NM_017890.5); short protein forms P1004S.
Identifiers: ClinVar variation 1488498 (VCV001488498.3), dbSNP rs2133312661, ClinGen allele CA371865728.

ClinVar aggregate classification (germline): Uncertain significance (1 of 4 stars; one submission).

Conditions:
Cohen syndrome (COH1). Also called: PEPPER SYNDROME; Cutis verticis gyrata, retinitis pigmentosa, and sensorineural deafness. Identifiers: Orphanet 193, MedGen C0265223, MONDO:0008999, OMIM 216550.

gnomAD v4.1: 1 of 1,614,124 alleles (0.000062%); highest among the groups gnomAD compares: Non-Finnish European, 0.000085%; no homozygotes.

Submission:

Labcorp Genetics (formerly Invitae), Labcorp
Classification: Uncertain significance for Cohen syndrome. Last evaluated: 2021-10-20. Review status: criteria provided, single submitter. Criteria: Invitae Variant Classification Sherloc (09022015). Collection method: clinical testing. Allele origin: germline.
Comment: This sequence change replaces proline with serine at codon 1004 of the VPS13B protein (p.Pro1004Ser). The proline residue is moderately conserved and there is a moderate physicochemical difference between proline and serine. This variant is not present in population databases (ExAC no frequency). This variant has not been reported in the literature in individuals affected with VPS13B-related conditions. Algorithms developed to predict the effect of missense changes on protein structure and function are either unavailable or do not agree on the potential impact of this missense change (SIFT: "Not Available"; PolyPhen-2: "Probably Damaging"; Align-GVGD: "Not Available"). In summary, the available evidence is currently insufficient to determine the role of this variant in disease. Therefore, it has been classified as a Variant of Uncertain Significance.